The following is an entry in ClinVar:

ClinVar aggregate classification (germline): Benign. Review status: criteria provided, multiple submitters, no conflicts (2 of 4 stars). 5 submissions from 5 submitters: Benign (4). 1 of the submissions does not count toward it. Last evaluated 2017-11-10.

Conditions:
Autosomal dominant nonsyndromic hearing loss 48. Also called: DEAFNESS, AUTOSOMAL DOMINANT 48. Identifiers: Orphanet 90635, MedGen C1842939, MONDO:0011920, OMIM 607841.

Allele frequency attached by ClinVar (database versions not stated): 1000 Genomes Project 30x 0.01187; 1000 Genomes Project 0.01298; TOPMed 0.02262; gnomAD 0.02381 and 0.02416; gnomAD exomes 0.02871 and 0.02982; ExAC 0.03014.
gnomAD v4.1: 45,834 of 1,614,020 alleles (2.8%); highest among the groups gnomAD compares: Middle Eastern, 6%; 869 homozygotes.

Submissions (5):

GeneDx
Classification: Benign. Last evaluated: 2017-11-10. Review status: criteria provided, single submitter. Criteria: GeneDx Variant Classification (06012015). Collection method: clinical testing. Allele origin: germline. Affected: yes.
Comment: This variant is considered likely benign or benign based on one or more of the following criteria: it is a conservative change, it occurs at a poorly conserved position in the protein, it is predicted to be benign by multiple in silico algorithms, and/or has population frequency not consistent with disease.

Laboratory for Molecular Medicine, Mass General Brigham Personalized Medicine
Classification: Benign. Last evaluated: 2013-01-09. Review status: criteria provided, single submitter. Criteria: LMM Criteria. Collection method: clinical testing. Allele origin: germline. Observed: 41 variant alleles.
Comment: This variant has been identified in 3.8% (324/8600) of European American chromos omes from a broad population by the NHLBI Exome Sequencing Project (s.; dbSNP rs33962952)

Breakthrough Genomics
Classification: Benign. Review status: criteria provided, single submitter. Criteria: ACMG Guidelines, 2015. Collection method: not provided. Allele origin: germline. Inheritance: Unknown mechanism. Affected: yes.

PreventionGenetics, part of Exact Sciences
Classification: Benign. Review status: criteria provided, single submitter. Criteria: ACMG Guidelines, 2015. Collection method: clinical testing. Allele origin: germline.

OMIM
Classification: Uncertain significance for RECLASSIFIED - VARIANT OF UNKNOWN SIGNIFICANCE. Last evaluated: 2014-05-01. Review status: no assertion criteria provided. Collection method: literature only. Allele origin: germline. Not counted in ClinVar's aggregate classification.

Literature cited by the submitters: PubMed 12736868 (cited by OMIM); PubMed 24616153 (cited by OMIM).

NM_005379.4(MYO1A):c.1985G>A (p.Gly662Glu)

Gene: MYO1A (myosin IA; minus strand). Cytogenetic location: 12q13.3.
Variant type: single nucleotide variant.
Coding change: c.1985G>A on transcript NM_005379.4 (MANE Select); coding-DNA position 1985, G replaced by A.
Protein change: p.Gly662Glu; replaces glycine 662 with glutamic acid.
Molecular consequence: missense variant.
Genome position (GRCh38, 1-based): chr12:57,037,618, C>T on the plus strand (G>A on the coding strand, the complement: MYO1A is on the minus strand). VCF-style: chr12-57037618-C-T. GRCh37 (hg19) VCF-style: chr12-57431402-C-T.
Other names: c.1985G>A, p.Gly662Glu (NM_001256041.2); short protein forms G662E.
Identifiers: ClinVar variation 8150 (VCV000008150.8), dbSNP rs33962952, ClinGen allele CA136002.